The following is an entry in ClinVar:

ClinVar aggregate classification (germline): Uncertain significance. Review status: criteria provided, multiple submitters, no conflicts (2 of 4 stars). 2 submissions from 2 submitters: Uncertain significance (2). Last evaluated 2025-12-08.

Allele frequency attached by ClinVar (database versions not stated): gnomAD 0.00007; ESP Exome Variant Server 0.00008; gnomAD exomes 0.00004; TOPMed 0.00005; ExAC 0.00007.
gnomAD v4.1: 78 of 1,614,036 alleles (0.0048%); highest among the groups gnomAD compares: Middle Eastern, 0.066%; 1 homozygote.

Submissions (2):

Labcorp Genetics (formerly Invitae), Labcorp
Classification: Uncertain significance. Last evaluated: 2025-12-08. Review status: criteria provided, single submitter. Criteria: Invitae Variant Classification Sherloc (09022015). Collection method: clinical testing. Allele origin: germline.
Comment: This sequence change replaces threonine, which is neutral and polar, with isoleucine, which is neutral and non-polar, at codon 827 of the NPAT protein (p.Thr827Ile). This variant is present in population databases (rs372594394, gnomAD 0.01%). This variant has not been reported in the literature in individuals affected with NPAT-related conditions. ClinVar contains an entry for this variant (Variation ID: 2970049). An algorithm developed to predict the effect of missense changes on protein structure and function outputs the following: PolyPhen-2: "Benign". The isoleucine amino acid residue is found in multiple mammalian species, which suggests that this missense change does not adversely affect protein function. In summary, the available evidence is currently insufficient to determine the role of this variant in disease. Therefore, it has been classified as a Variant of Uncertain Significance.

Ambry Genetics
Classification: Uncertain significance. Last evaluated: 2024-01-12. Review status: criteria provided, single submitter. Criteria: Ambry Variant Classification Scheme 2023. Collection method: clinical testing. Allele origin: germline.

NM_002519.3(NPAT):c.2480C>T (p.Thr827Ile)

Gene: NPAT (nuclear protein, coactivator of histone transcription; minus strand). Cytogenetic location: 11q22.3.
Variant type: single nucleotide variant.
Coding change: c.2480C>T on transcript NM_002519.3 (MANE Select); coding-DNA position 2480, C replaced by T.
Protein change: p.Thr827Ile; replaces threonine 827 with isoleucine.
Molecular consequence: missense variant.
Genome position (GRCh38, 1-based): chr11:108,172,504, G>A on the plus strand (C>T on the coding strand, the complement: NPAT is on the minus strand). VCF-style: chr11-108172504-G-A. GRCh37 (hg19) VCF-style: chr11-108043231-G-A.
Other names: c.2480C>T (NM_002519.2); c.2480C>T, p.Thr827Ile (NM_001321307.1); short protein forms T827I.
Identifiers: ClinVar variation 2970049 (VCV002970049.4), dbSNP rs372594394, ClinGen allele CA6263805.
Genomic context (GRCh38, chr11:108,172,504, plus strand): 5'-CCATCCTTGGAAACACATGGTGTAACATTAGCTGAAAAAGCAATGCCATCTTCATTCTGA[G>A]TATTGTTTACTGCAGAGTCTTCAGATTTGAATGTTAAAAGACTCTGTTCCATTGAGGCTG-3'
Protein context (NP_002510.2, residues 817-837): FKSEDSAVNN[Thr827Ile]QNEDGIAFSA